The following is an entry in ClinVar:

NM_000219.6(KCNE1):c.71G>C (p.Gly24Ala)

Gene: KCNE1 (potassium voltage-gated channel subfamily E regulatory subunit 1; minus strand). Cytogenetic location: 21q22.12.
Variant type: single nucleotide variant.
Coding change: c.71G>C on transcript NM_000219.6 (MANE Select); coding-DNA position 71, G replaced by C.
Protein change: p.Gly24Ala; replaces glycine 24 with alanine.
Molecular consequence: missense variant.
Genome position (GRCh38, 1-based): chr21:34,449,564, C>G on the plus strand (G>C on the coding strand, the complement: KCNE1 is on the minus strand). VCF-style: chr21-34449564-C-G. GRCh37 (hg19) VCF-style: chr21-35821862-C-G.
Other names: c.71G>C, p.Gly24Ala (NM_001127668.4, NM_001127669.4, NM_001127670.4 and 4 more transcripts); short protein forms G24A.
Identifiers: ClinVar variation 3373969 (VCV003373969.2).

Conditions:
Long QT syndrome 5 (LQT5). Identifiers: Orphanet 101016, Orphanet 768, MedGen C1867904, MONDO:0013372, OMIM 613695.

Submission:

Roden Lab, Vanderbilt University Medical Center
No classification provided (evidence only). Condition: Long QT syndrome 5. Review status: no classification provided. Collection method: in vitro. Allele origin: not applicable. Functional consequence: Effect on ion channel function.
ClinVar note: "not provided" was previously submitted as the classification for the variant. However, the classification appeared to be based only on an observation of functional data so it was converted to no classification on 2025-07-30.